The following is an entry in ClinVar:

ClinVar aggregate classification (germline): Uncertain significance (1 of 4 stars; one submission).

gnomAD v4.1: 1 of 1,605,436 alleles (0.000062%); highest among the groups gnomAD compares: Non-Finnish European, 0.000085%; no homozygotes.

Submission:

Labcorp Genetics (formerly Invitae), Labcorp
Classification: Uncertain significance. Last evaluated: 2022-11-10. Review status: criteria provided, single submitter. Criteria: Invitae Variant Classification Sherloc (09022015). Collection method: clinical testing. Allele origin: germline.
Comment: In summary, the available evidence is currently insufficient to determine the role of this variant in disease. Therefore, it has been classified as a Variant of Uncertain Significance. Algorithms developed to predict the effect of missense changes on protein structure and function are either unavailable or do not agree on the potential impact of this missense change (SIFT: "Deleterious"; PolyPhen-2: "Benign"; Align-GVGD: "Class C0"). This variant has not been reported in the literature in individuals affected with CFH-related conditions. This variant is present in population databases (rs530228595, gnomAD 0.0009%). This sequence change replaces aspartic acid, which is acidic and polar, with tyrosine, which is neutral and polar, at codon 214 of the CFH protein (p.Asp214Tyr).

NM_000186.4(CFH):c.640G>T (p.Asp214Tyr)

Gene: CFH (complement factor H; plus strand). Cytogenetic location: 1q31.3.
Variant type: single nucleotide variant.
Coding change: c.640G>T on transcript NM_000186.4 (MANE Select); coding-DNA position 640, G replaced by T.
Protein change: p.Asp214Tyr; replaces aspartic acid 214 with tyrosine.
Molecular consequence: missense variant.
Genome position (GRCh38, 1-based): chr1:196,679,643, G>T. VCF-style: chr1-196679643-G-T. GRCh37 (hg19) VCF-style: chr1-196648773-G-T.
Other names: c.640G>T, p.Asp214Tyr (NM_001014975.3); short protein forms D214Y.
Identifiers: ClinVar variation 2795597 (VCV002795597.3), dbSNP rs530228595, ClinGen allele CA1305121.